The following is an entry in ClinVar:

NM_000081.4(LYST):c.9600AGA[1] (p.Glu3201del)

Gene: LYST (lysosomal trafficking regulator; minus strand). Cytogenetic location: 1q42.3.
Variant type: Microsatellite.
Coding change: c.9600AGA[1] on transcript NM_000081.4 (MANE Select); one copy of the 3-base unit AGA starting at c.9600; the reference has two copies in a row; one copy, 3 bases deleted.
Protein change: p.Glu3201del; deletes glutamic acid 3201.
Molecular consequence: inframe deletion.
Genome position (GRCh38, 1-based): chr1:235,716,734-235,716,736, TCT deleted on the plus strand (AGA on the coding strand, the reverse complement: LYST is on the minus strand); deleting any 3 consecutive bases within chr1:235,716,734-235,716,740 gives the same sequence; the position shown is the placement nearest the transcript's 3' end. VCF-style (leftmost placement, unchanged base first): chr1-235716733-ATCT-A. GRCh37 (hg19) VCF-style: chr1-235880033-ATCT-A.
Other names: c.9600AGA[1], p.Glu3201del (NM_001301365.1); short protein forms E3201del.
Identifiers: ClinVar variation 834408 (VCV000834408.6), dbSNP rs1662871382, ClinGen allele CA916080243.

ClinVar aggregate classification (germline): Uncertain significance (1 of 4 stars; one submission).

Conditions:
Chédiak-Higashi syndrome (CHS). Also called: Chediak-Higashi Syndrome. Identifiers: Orphanet 167, MedGen C0007965, MONDO:0008963, OMIM 214500.

Submission:

Labcorp Genetics (formerly Invitae), Labcorp
Classification: Uncertain significance for Chédiak-Higashi syndrome. Last evaluated: 2021-12-23. Review status: criteria provided, single submitter. Criteria: Invitae Variant Classification Sherloc (09022015). Collection method: clinical testing. Allele origin: germline.
Comment: In summary, the available evidence is currently insufficient to determine the role of this variant in disease. Therefore, it has been classified as a Variant of Uncertain Significance. Experimental studies and prediction algorithms are not available or were not evaluated, and the functional significance of this variant is currently unknown. ClinVar contains an entry for this variant (Variation ID: 834408). This variant has not been reported in the literature in individuals affected with LYST-related conditions. This variant is not present in population databases (gnomAD no frequency). This variant, c.9603_9605del, results in the deletion of 1 amino acid(s) of the LYST protein (p.Glu3201del), but otherwise preserves the integrity of the reading frame.